The following is an entry in ClinVar:

ClinVar aggregate classification (germline): Uncertain significance. Review status: criteria provided, multiple submitters, no conflicts (2 of 4 stars). 2 submissions from 2 submitters: Uncertain significance (2). Last evaluated 2025-11-24.

Conditions:
Polycystic kidney disease, adult type (PKD1). Also called: Polycystic Kidney Disease 1, Autosomal Dominant; Polycystic kidney disease 1; Polycystic kidney disease 1, severe; POLYCYSTIC KIDNEY DISEASE 1 WITH OR WITHOUT POLYCYSTIC LIVER DISEASE; POLYCYSTIC KIDNEY DISEASE, ADULT, TYPE I; Polycystic Kidney, Autosomal Dominant. Identifiers: MedGen C3149841, MONDO:0008263, OMIM 173900.

Submissions (2):

Victorian Clinical Genetics Services, Murdoch Childrens Research Institute
Classification: Uncertain significance for Polycystic kidney disease, adult type. Last evaluated: 2025-11-24. Review status: criteria provided, single submitter. Criteria: ACMG Guidelines, 2015. Collection method: clinical testing. Allele origin: germline. Affected: yes.
Comment: This variant is classified as VUS-3A. Evidence in support of pathogenic classification: Variant is absent from gnomAD (v2, v3 and v4); Another missense variant comparable to the one identified in this case has limited previous evidence for pathogenicity. p.(Cys1979Tyr) has been reported in the literature in an individual with ADPKD (PMID: 23431072); Missense variant predicted to be damaging by in silico tool(s) or highly conserved with a major amino acid change. Additional information: Variant is predicted to result in a missense amino acid change from Cys to Phe; This variant is heterozygous; This gene is associated with autosomal dominant disease. Polycystic kidney disease 1 (MIM#173900) is predominantly caused by monoallelic variants, with rare reports of biallelic variants causing disease (OMIM); Alternative amino acid change(s) at the same position are present in gnomAD (highest allele count: v4: 17 heterozygote(s), 0 homozygote(s)); Previous evidence of pathogenicity for this variant is inconclusive. This variant has been classified as VUS by a clinical laboratory in ClinVar; No published evidence of segregation with disease has been identified for this variant; No published functional evidence has been identified for this variant; Variant is located in the annotated PKD domain (DECIPHER); Loss of function is a known mechanism of disease in this gene and is associated with polycystic kidney disease 1 (MIM#173900); Inheritance information for this variant is not currently available in this individual.

Fulgent Genetics
Classification: Uncertain significance for Polycystic kidney disease, adult type. Last evaluated: 2024-04-02. Review status: criteria provided, single submitter. Criteria: ACMG Guidelines, 2015. Collection method: clinical testing. Allele origin: germline.

Literature cited by the submitters: PubMed 23431072 (cited by Victorian Clinical Genetics Services, Murdoch Childrens Research Institute).

NM_001009944.3(PKD1):c.5936G>T (p.Cys1979Phe)

Gene: PKD1 (polycystin 1, transient receptor potential channel interacting; minus strand). Cytogenetic location: 16p13.3.
Variant type: single nucleotide variant.
Coding change: c.5936G>T on transcript NM_001009944.3 (MANE Select); coding-DNA position 5936, G replaced by T.
Protein change: p.Cys1979Phe; replaces cysteine 1979 with phenylalanine.
Molecular consequence: missense variant.
Genome position (GRCh38, 1-based): chr16:2,109,231, C>A on the plus strand (G>T on the coding strand, the complement: PKD1 is on the minus strand). VCF-style: chr16-2109231-C-A. GRCh37 (hg19) VCF-style: chr16-2159232-C-A.
Other names: c.5936G>T, p.Cys1979Phe (NM_000296.4); short protein forms C1979F.
Identifiers: ClinVar variation 3579407 (VCV003579407.2).
Genomic context (GRCh38, chr16:2,109,231, plus strand): 5'-CCGCGCTGCACGCGGGCTGTGAAGTTCCTCTCAGTGCCCGTGGCGATGCCAGGCTCGCAG[C>A]AGTTGGGCACCTGCAGCCCACTCACGGCCTCCAGCACCACGATGCGCACCTGCGCCTGGG-3'
Protein context (NP_001009944.3, residues 1969-1989): EAVSGLQVPN[Cys1979Phe]CEPGIATGTE